The following is an entry in ClinVar:

ClinVar aggregate classification (germline): Pathogenic (1 of 4 stars; one submission).

Conditions:
Charcot-Marie-Tooth disease type 4A. Also called: Charcot-Marie-Tooth disease, demyelinating, autosomal recessive, type 4a. Identifiers: Orphanet 99948, MedGen C1859198, MONDO:0008961, OMIM 214400.

Submission:

Labcorp Genetics (formerly Invitae), Labcorp
Classification: Pathogenic for Charcot-Marie-Tooth disease type 4A. Last evaluated: 2024-02-29. Review status: criteria provided, single submitter. Criteria: Invitae Variant Classification Sherloc (09022015). Collection method: clinical testing. Allele origin: germline.
Comment: This sequence change creates a premature translational stop signal (p.Glu233*) in the GDAP1 gene. While this is not anticipated to result in nonsense mediated decay, it is expected to disrupt the last 126 amino acid(s) of the GDAP1 protein. This variant is not present in population databases (gnomAD no frequency). This variant has not been reported in the literature in individuals affected with GDAP1-related conditions. This variant disrupts a region of the GDAP1 protein in which other variant(s) (p.Arg341Glnfs*12) have been determined to be pathogenic (Invitae). This suggests that this is a clinically significant region of the protein, and that variants that disrupt it are likely to be disease-causing. For these reasons, this variant has been classified as Pathogenic.

NM_018972.4(GDAP1):c.697G>T (p.Glu233Ter)

Gene: GDAP1 (ganglioside induced differentiation associated protein 1; plus strand). Cytogenetic location: 8q21.11.
Variant type: single nucleotide variant.
Coding change: c.697G>T on transcript NM_018972.4 (MANE Select); coding-DNA position 697, G replaced by T.
Protein change: p.Glu233Ter; replaces glutamic acid 233 with a stop codon.
Molecular consequence: nonsense. On other transcripts: intron variant (1).
Genome position (GRCh38, 1-based): chr8:74,363,987, G>T. VCF-style: chr8-74363987-G-T. GRCh37 (hg19) VCF-style: chr8-75276222-G-T.
Other names: c.493G>T, p.Glu165Ter (NM_001040875.4); c.370G>T, p.Glu124Ter (NM_001362929.2, NM_001362932.2); c.523G>T, p.Glu175Ter (NM_001362930.2); c.694+934G>T (NM_001362931.2); short protein forms E124*, E165*, E233*, E175*.
Identifiers: ClinVar variation 3643714 (VCV003643714.2).